The following is an entry in ClinVar:

ClinVar aggregate classification (germline): Uncertain significance (1 of 4 stars; one submission).

Allele frequency attached by ClinVar (database versions not stated): gnomAD exomes 0.00001; gnomAD 0.00002; TOPMed 0.00002.

Submission:

Labcorp Genetics (formerly Invitae), Labcorp
Classification: Uncertain significance. Last evaluated: 2021-11-24. Review status: criteria provided, single submitter. Criteria: Invitae Variant Classification Sherloc (09022015). Collection method: clinical testing. Allele origin: germline.
Comment: The frequency data for this variant in the population databases is considered unreliable, as metrics indicate poor data quality at this position in the gnomAD database. In summary, the available evidence is currently insufficient to determine the role of this variant in disease. Therefore, it has been classified as a Variant of Uncertain Significance. Advanced modeling of protein sequence and biophysical properties (such as structural, functional, and spatial information, amino acid conservation, physicochemical variation, residue mobility, and thermodynamic stability) performed at Invitae indicates that this missense variant is expected to disrupt ECHS1 protein function. This missense change has been observed in individual(s) with Leigh syndrome (PMID: 32020600). This sequence change replaces arginine, which is basic and polar, with histidine, which is basic and polar, at codon 181 of the ECHS1 protein (p.Arg181His).

Literature cited by the submitters: PubMed 32020600.

NM_004092.4(ECHS1):c.542G>A (p.Arg181His)

Gene: ECHS1 (enoyl-CoA hydratase, short chain 1; minus strand). Cytogenetic location: 10q26.3.
Variant type: single nucleotide variant.
Coding change: c.542G>A on transcript NM_004092.4 (MANE Select); coding-DNA position 542, G replaced by A.
Protein change: p.Arg181His; replaces arginine 181 with histidine.
Molecular consequence: missense variant.
Genome position (GRCh38, 1-based): chr10:133,366,966, C>T on the plus strand (G>A on the coding strand, the complement: ECHS1 is on the minus strand). VCF-style: chr10-133366966-C-T. GRCh37 (hg19) VCF-style: chr10-135180470-C-T.
Other names: short protein forms R181H.
Identifiers: ClinVar variation 1465912 (VCV001465912.4), dbSNP rs1354738022, ClinGen allele CA378819652.
Genomic context (GRCh38, chr10:133,366,966, plus strand): 5'-TGGGCTGAGATCCGGTCACCAGTGAGGACCATCTCCATCGCCAGCGACTTCCCAACAGCA[C>T]GGGTGAGTCTCTGGGTGCCGCCCGCACCTGCAGGGAGGGGCTGGTCATGGCTGGCACTGT-3'
Protein context (NP_004083.3, residues 171-191): PGAGGTQRLT[Arg181His]AVGKSLAMEM